The following is an entry in ClinVar:

NM_002485.5(NBN):c.*790T>G

Gene: NBN (nibrin; minus strand). Cytogenetic location: 8q21.3.
Variant type: single nucleotide variant.
Coding change: c.*790T>G on transcript NM_002485.5 (MANE Select); 790 bases downstream of the stop codon, T replaced by G.
Molecular consequence: 3 prime UTR variant.
Genome position (GRCh38, 1-based): chr8:89,934,792, A>C on the plus strand (T>G on the coding strand, the complement: NBN is on the minus strand). VCF-style: chr8-89934792-A-C. GRCh37 (hg19) VCF-style: chr8-90947020-A-C.
Other names: c.*790T>G (NM_001024688.3).
Identifiers: ClinVar variation 363903 (VCV000363903.5), dbSNP rs11987887, ClinGen allele CA10625883.

ClinVar aggregate classification (germline): Benign (1 of 4 stars; one submission).

Conditions:
Microcephaly, normal intelligence and immunodeficiency (NBS). Also called: Ataxia telangiectasia variant V1; Immunodeficiency, microcephaly with normal intelligence; IMMUNODEFICIENCY, MICROCEPHALY, AND CHROMOSOMAL INSTABILITY; SEEMANOVA SYNDROME II; Nijmegen breakage syndrome; Microcephaly with normal intelligence immunodeficiency and lymphoreticular malignancies. Identifiers: Orphanet 647, MedGen C0398791, MONDO:0009623, OMIM 251260.

Allele frequency attached by ClinVar (database versions not stated): gnomAD exomes 0.00523; gnomAD 0.02799 and 0.03002; 1000 Genomes Project 0.03095; TOPMed 0.03186; 1000 Genomes Project 30x 0.03264.

Submission:

Illumina Laboratory Services, Illumina
Classification: Benign for Microcephaly, normal intelligence and immunodeficiency. Last evaluated: 2018-01-12. Review status: criteria provided, single submitter. Criteria: ICSL Variant Classification Criteria 13 December 2019. Collection method: clinical testing. Allele origin: germline.
Comment: This variant was observed in the ICSL laboratory as part of a predisposition screen in an ostensibly healthy population. It had not been previously curated by ICSL or reported in the Human Gene Mutation Database (HGMD: prior to June 1st, 2018), and was therefore a candidate for classification through an automated scoring system. Utilizing variant allele frequency, disease prevalence and penetrance estimates, and inheritance mode, an automated score was calculated to assess if this variant is too frequent to cause the disease. Based on the score and internal cut-off values, a variant classified as benign is not then subjected to further curation. The score for this variant resulted in a classification of benign for this disease.